The following is an entry in ClinVar:

NM_001754.5(RUNX1):c.1362G>T (p.Glu454Asp)

Gene: RUNX1 (RUNX family transcription factor 1; minus strand). Cytogenetic location: 21q22.12.
Variant type: single nucleotide variant.
Coding change: c.1362G>T on transcript NM_001754.5 (MANE Select); coding-DNA position 1362, G replaced by T.
Protein change: p.Glu454Asp; replaces glutamic acid 454 with aspartic acid.
Molecular consequence: missense variant.
Genome position (GRCh38, 1-based): chr21:34,792,216, C>A on the plus strand (G>T on the coding strand, the complement: RUNX1 is on the minus strand). VCF-style: chr21-34792216-C-A. GRCh37 (hg19) VCF-style: chr21-36164513-C-A.
Other names: NM_001754.5(RUNX1):c.1362G>T; p.Glu454Asp; c.1281G>T, p.Glu427Asp (NM_001001890.3); short protein forms E427D, E454D.
Identifiers: ClinVar variation 2718142 (VCV002718142.4), dbSNP rs2516814039, ClinGen allele CA410147139.

ClinVar aggregate classification (germline): Uncertain significance. Review status: reviewed by expert panel (3 of 4 stars). 2 submissions from 2 submitters: Uncertain significance (1). 1 of the submissions does not count toward it. Last evaluated 2024-09-12.

Conditions:
Hereditary thrombocytopenia and hematological cancer predisposition syndrome associated with RUNX1. Also called: Familial Platelet Disorder with Propensity to Acute Myelogenous Leukemia; Familial thrombocytopenia with propensity to acute myelogenous leukemia; PLATELET DISORDER, ASPIRIN-LIKE; RUNX1 Familial Platelet Disorder with Associated Myeloid Malignancies. Identifiers: Orphanet 71290, MedGen C1832388, MeSH C563324, MONDO:0100083, OMIM 601399.
Hereditary thrombocytopenia and hematologic cancer predisposition syndrome. Identifiers: Orphanet 71290, MedGen CN281654, MONDO:0011071.

Submissions (2):

ClinGen Myeloid Malignancy Variant Curation Expert Panel
Classification: Uncertain significance for Hereditary thrombocytopenia and hematologic cancer predisposition syndrome. Last evaluated: 2024-09-12. Review status: reviewed by expert panel. Criteria: ClinGen MyeloMalig ACMG Specifications v2. Collection method: curation. Allele origin: germline. Inheritance: Autosomal dominant inheritance.
Comment: NM_001754.5(RUNX1):c.1362G>T (p.Glu454Asp) is a missense variant which is completely absent from gnomAD 2.0 with at least 20x coverage for RUNX1 (PM2_supporting). This missense variant has a REVEL score <0.50 (0.164) and a Splice AI score <0.20 (BP4). In summary, the clinical significance of this variant is uncertain. ACMG/AMP criteria applied, as specified by the Myeloid Malignancy Variant Curation Expert Panel for RUNX1: BP4, PM2_supporting.

Labcorp Genetics (formerly Invitae), Labcorp
Classification: Uncertain significance for Hereditary thrombocytopenia and hematological cancer predisposition syndrome associated with RUNX1. Last evaluated: 2023-06-17. Review status: criteria provided, single submitter. Criteria: Invitae Variant Classification Sherloc (09022015). Collection method: clinical testing. Allele origin: germline. Not counted in ClinVar's aggregate classification.
Comment: This sequence change replaces glutamic acid, which is acidic and polar, with aspartic acid, which is acidic and polar, at codon 454 of the RUNX1 protein (p.Glu454Asp). This variant is not present in population databases (gnomAD no frequency). This variant has not been reported in the literature in individuals affected with RUNX1-related conditions. Advanced modeling of protein sequence and biophysical properties (such as structural, functional, and spatial information, amino acid conservation, physicochemical variation, residue mobility, and thermodynamic stability) has been performed at Invitae for this missense variant, however the output from this modeling did not meet the statistical confidence thresholds required to predict the impact of this variant on RUNX1 protein function. In summary, the available evidence is currently insufficient to determine the role of this variant in disease. Therefore, it has been classified as a Variant of Uncertain Significance.